The following is an entry in ClinVar:

ClinVar aggregate classification (germline): Uncertain significance (1 of 4 stars; one submission).

Conditions:
Fanconi anemia (FA). Also called: Fanconi's anemia. Identifiers: Orphanet 84, MedGen C0015625, MeSH D005199, MONDO:0019391.

Submission:

Labcorp Genetics (formerly Invitae), Labcorp
Classification: Uncertain significance for Fanconi anemia. Last evaluated: 2022-05-28. Review status: criteria provided, single submitter. Criteria: Invitae Variant Classification Sherloc (09022015). Collection method: clinical testing. Allele origin: germline.
Comment: This variant results in a copy number gain of the genomic region encompassing exon(s) 38-42 of the FANCA gene. While the exact position of this variant cannot be determined from the data, sub-genic copy number gains are generally in tandem (PMID: 25640679). This variant is predicted to be in-frame, and likely preserves the integrity of the reading frame. This variant has not been reported in the literature in individuals affected with FANCA-related conditions. Experimental studies and prediction algorithms are not available or were not evaluated, and the functional significance of this variant is currently unknown. In summary, the available evidence is currently insufficient to determine the role of this variant in disease. Therefore, it has been classified as a Variant of Uncertain Significance.

Literature cited by the submitters: PubMed 25640679.

NC_000016.9:g.(?_89805270)_(89807294_?)dup

Genes: FANCA (FA complementation group A; minus strand), ZNF276 (zinc finger protein 276; plus strand). Cytogenetic location: 16q24.3.
Variant type: Duplication.
Identifiers: ClinVar variation 2422426 (VCV002422426.4).